The following is an entry in ClinVar:

NM_000321.3(RB1):c.994G>A (p.Asp332Asn)

Gene: RB1 (RB transcriptional corepressor 1; plus strand). Cytogenetic location: 13q14.2.
Variant type: single nucleotide variant.
Coding change: c.994G>A on transcript NM_000321.3 (MANE Select); coding-DNA position 994, G replaced by A.
Protein change: p.Asp332Asn; replaces aspartic acid 332 with asparagine.
Molecular consequence: missense variant.
Genome position (GRCh38, 1-based): chr13:48,367,548, G>A. VCF-style: chr13-48367548-G-A. GRCh37 (hg19) VCF-style: chr13-48941684-G-A.
Other names: c.994G>A, p.Asp332Asn (NM_001407165.1, NM_001407166.1); short protein forms D332N.
Identifiers: ClinVar variation 2703430 (VCV002703430.3), dbSNP rs2138121270, ClinGen allele CA388160748.
Genomic context (GRCh38, chr13:48,367,548, plus strand): 5'-TTCAAGGTTGAAAATCTTTCTAAACGATACGAAGAAATTTATCTTAAAAATAAAGATCTA[G>A]ATGCAAGATTATTTTTGGATCATGATAAAACTCTTCAGACTGATTCTATAGACAGGTATT-3'
Protein context (NP_000312.2, residues 322-342): EEIYLKNKDL[Asp332Asn]ARLFLDHDKT

ClinVar aggregate classification (germline): Uncertain significance (1 of 4 stars; one submission).

Conditions:
Retinoblastoma (RB1). Also called: RETINOBLASTOMA, SOMATIC. Identifiers: Orphanet 790, MedGen C0035335, MeSH D012175, MONDO:0008380, OMIM 180200, HP:0009919. Disease mechanism: loss of function. Inheritance: Both sporadic and heritable forms are tested..

Submission:

Labcorp Genetics (formerly Invitae), Labcorp
Classification: Uncertain significance for Retinoblastoma. Last evaluated: 2023-12-15. Review status: criteria provided, single submitter. Criteria: Invitae Variant Classification Sherloc (09022015). Collection method: clinical testing. Allele origin: germline.
Comment: This sequence change replaces aspartic acid, which is acidic and polar, with asparagine, which is neutral and polar, at codon 332 of the RB1 protein (p.Asp332Asn). This variant is not present in population databases (gnomAD no frequency). This variant has not been reported in the literature in individuals affected with RB1-related conditions. Advanced modeling of protein sequence and biophysical properties (such as structural, functional, and spatial information, amino acid conservation, physicochemical variation, residue mobility, and thermodynamic stability) performed at Invitae indicates that this missense variant is not expected to disrupt RB1 protein function with a negative predictive value of 80%. In summary, the available evidence is currently insufficient to determine the role of this variant in disease. Therefore, it has been classified as a Variant of Uncertain Significance.